The following is an entry in ClinVar:

NM_015426.5(POC1A):c.253G>C (p.Val85Leu)

Gene: POC1A (POC1 centriolar protein A; minus strand). Cytogenetic location: 3p21.2.
Variant type: single nucleotide variant.
Coding change: c.253G>C on transcript NM_015426.5 (MANE Select); coding-DNA position 253, G replaced by C.
Protein change: p.Val85Leu; replaces valine 85 with leucine.
Molecular consequence: missense variant.
Genome position (GRCh38, 1-based): chr3:52,149,838, C>G on the plus strand (G>C on the coding strand, the complement: POC1A is on the minus strand). VCF-style: chr3-52149838-C-G. GRCh37 (hg19) VCF-style: chr3-52183854-C-G.
Other names: c.253G>C, p.Val85Leu (NM_001161580.2); c.139G>C, p.Val47Leu (NM_001161581.2); short protein forms V47L, V85L.
Identifiers: ClinVar variation 666330 (VCV000666330.10), dbSNP rs112213336, ClinGen allele CA2429699.
Genomic context (GRCh38, chr3:52,149,838, plus strand): 5'-CCAGACTCCAACAAGCCTCCTCAAAGTGTACGACTCACACATTGGGTACCCAGATGCGGA[C>G]AGTCTTGTCTCGGGAGCCGGAAGCAAGCAGGTGTCCCGAAGGAGAGAAGTTCACACAGGT-3'
Protein context (NP_056241.3, residues 75-95): LLASGSRDKT[Val85Leu]RIWVPNVKGE

ClinVar aggregate classification (germline): Conflicting classifications of pathogenicity. Review status: criteria provided, conflicting classifications (1 of 4 stars). 4 submissions from 4 submitters: Likely pathogenic (1); Uncertain significance (2); Likely benign (1). Last evaluated 2025-12-14.

Conditions:
Short stature-onychodysplasia-facial dysmorphism-hypotrichosis syndrome. Also called: SOFT SYNDROME; Short stature, onychodysplasia, facial dysmorphism, and hypotrichosis. Identifiers: Orphanet 314394, MedGen C3542022, MONDO:0013894, OMIM 614813.

Allele frequency attached by ClinVar (database versions not stated): ExAC 0.00021; gnomAD exomes 0.00021 and 0.00024; gnomAD 0.00023 and 0.00024; TOPMed 0.00027.
gnomAD v4.1: 358 of 1,613,686 alleles (0.022%); highest among the groups gnomAD compares: Middle Eastern, 0.25%; no homozygotes.

Submissions (4):

Labcorp Genetics (formerly Invitae), Labcorp
Classification: Likely benign. Last evaluated: 2025-12-14. Review status: criteria provided, single submitter. Criteria: Invitae Variant Classification Sherloc (09022015). Collection method: clinical testing. Allele origin: germline.

Women's Health and Genetics/Laboratory Corporation of America, LabCorp
Classification: Uncertain significance. Last evaluated: 2024-07-29. Review status: criteria provided, single submitter. Criteria: LabCorp Variant Classification Summary - May 2015. Collection method: clinical testing. Allele origin: germline.
Comment: Variant summary: POC1A c.253G>C (p.Val85Leu) results in a conservative amino acid change in the encoded protein sequence. Three of five in-silico tools predict a benign effect of the variant on protein function. The variant allele was found at a frequency of 0.00024 in 250676 control chromosomes (gnomAD). This frequency is not significantly higher than estimated for a pathogenic variant in POC1A causing Short stature-onychodysplasia-facial dysmorphism-hypotrichosis syndrome, allowing no conclusion about variant significance. c.253G>C has been reported in the literature in a homozygous individual affected with Short stature-onychodysplasia-facial dysmorphism-hypotrichosis syndrome (Nambot_2018). These data indicate that the variant may be associated with disease. To our knowledge, no experimental evidence demonstrating an impact on protein function has been reported. The following publications have been ascertained in the context of this evaluation (PMID: 26374189, 29095811). ClinVar contains an entry for this variant (Variation ID: 666330). Based on the evidence outlined above, the variant was classified as VUS-possibly pathogenic.

Department of Pathology and Laboratory Medicine, Sinai Health System
Classification: Uncertain significance for Short stature-onychodysplasia-facial dysmorphism-hypotrichosis syndrome. Last evaluated: 2022-03-21. Review status: criteria provided, single submitter. Criteria: ACMG Guidelines, 2015. Collection method: research. Allele origin: germline.

Equipe Genetique des Anomalies du Developpement, Université de Bourgogne
Classification: Likely pathogenic for Short stature-onychodysplasia-facial dysmorphism-hypotrichosis syndrome. Last evaluated: 2015-01-01. Review status: criteria provided, single submitter. Criteria: ACMG Guidelines, 2007. Collection method: clinical testing. Allele origin: inherited. Affected: yes.

Literature cited by the submitters: PubMed 26374189 (cited by Women's Health and Genetics/Laboratory Corporation of America, LabCorp); PubMed 29095811 (cited by Women's Health and Genetics/Laboratory Corporation of America, LabCorp).